The following is an entry in ClinVar:

NM_015271.5(TRIM2):c.1381G>C (p.Val461Leu)

Gene: TRIM2 (tripartite motif containing 2; plus strand). Cytogenetic location: 4q31.3.
Variant type: single nucleotide variant.
Coding change: c.1381G>C on transcript NM_015271.5 (MANE Select); coding-DNA position 1381, G replaced by C.
Protein change: p.Val461Leu; replaces valine 461 with leucine.
Molecular consequence: missense variant.
Genome position (GRCh38, 1-based): chr4:153,295,907, G>C. VCF-style: chr4-153295907-G-C. GRCh37 (hg19) VCF-style: chr4-154217059-G-C.
Other names: c.1381G>C (NM_015271.3); c.1300G>C, p.Val434Leu (NM_001130067.2, NM_001351056.2); c.1354G>C, p.Val452Leu (NM_001351054.2); c.1351G>C, p.Val451Leu (NM_001351055.2); c.925G>C, p.Val309Leu (NM_001351057.2); short protein forms V434L, V309L, V451L, V452L, V461L.
Identifiers: ClinVar variation 541513 (VCV000541513.16), dbSNP rs147859999, ClinGen allele CA3108727.

ClinVar aggregate classification (germline): Uncertain significance. Review status: criteria provided, multiple submitters, no conflicts (2 of 4 stars). 3 submissions from 3 submitters: Uncertain significance (3). Last evaluated 2025-01-09.

Conditions:
Charcot-Marie-Tooth disease type 2R. Also called: CHARCOT-MARIE-TOOTH DISEASE, AXONAL, AUTOSOMAL RECESSIVE, TYPE 2R; Charcot-Marie-Tooth disease, axonal, type 2R; CHARCOT-MARIE-TOOTH NEUROPATHY, TYPE 2R. Identifiers: Orphanet 397968, MedGen C3809655, MONDO:0014208, OMIM 615490.

Allele frequency attached by ClinVar (database versions not stated): gnomAD 0.00003; TOPMed 0.00003; ESP Exome Variant Server 0.00015.
gnomAD v4.1: 9 of 1,611,242 alleles (0.00056%); highest among the groups gnomAD compares: Non-Finnish European, 0.00076%; no homozygotes.

Submissions (3):

Ambry Genetics
Classification: Uncertain significance. Last evaluated: 2025-01-09. Review status: criteria provided, single submitter. Criteria: Ambry Variant Classification Scheme 2023. Collection method: clinical testing. Allele origin: germline.

Labcorp Genetics (formerly Invitae), Labcorp
Classification: Uncertain significance for Charcot-Marie-Tooth disease type 2R. Last evaluated: 2024-09-09. Review status: criteria provided, single submitter. Criteria: Invitae Variant Classification Sherloc (09022015). Collection method: clinical testing. Allele origin: germline.
Comment: This sequence change replaces valine, which is neutral and non-polar, with leucine, which is neutral and non-polar, at codon 434 of the TRIM2 protein (p.Val434Leu). This variant is present in population databases (rs147859999, gnomAD 0.003%). This variant has not been reported in the literature in individuals affected with TRIM2-related conditions. ClinVar contains an entry for this variant (Variation ID: 541513). An algorithm developed to predict the effect of missense changes on protein structure and function (PolyPhen-2) suggests that this variant is likely to be tolerated. In summary, the available evidence is currently insufficient to determine the role of this variant in disease. Therefore, it has been classified as a Variant of Uncertain Significance.

Mayo Clinic Laboratories, Mayo Clinic
Classification: Uncertain significance. Last evaluated: 2020-08-13. Review status: criteria provided, single submitter. Criteria: ACMG Guidelines, 2015. Collection method: clinical testing. Allele origin: germline. Observed: 1 variant allele.